The following is an entry in ClinVar:

ClinVar aggregate classification (germline): Likely benign. Review status: criteria provided, multiple submitters, no conflicts (2 of 4 stars). 3 submissions from 3 submitters: Likely benign (2). 1 of the submissions does not count toward it. Last evaluated 2025-12-30.

Conditions:
Spermatogenic failure 18. Identifiers: MedGen C4539783, MONDO:0054615, OMIM 617576.
Ciliary dyskinesia, primary, 37 (CILD37). Also called: CILIARY DYSKINESIA, PRIMARY, 37, WITH OR WITHOUT SITUS INVERSUS. Identifiers: MedGen C4539798, MONDO:0033204, OMIM 617577.
DNAH1-related disorder. Also called: DNAH1-related condition.

Allele frequency attached by ClinVar (database versions not stated): gnomAD exomes 0.00007 and 0.00011; ESP Exome Variant Server 0.00008; ExAC 0.00009; gnomAD 0.00012 and 0.00016; TOPMed 0.00012; 1000 Genomes Project 30x 0.00031; 1000 Genomes Project 0.00040.
gnomAD v4.1: 168 of 1,548,366 alleles (0.011%); highest among the groups gnomAD compares: East Asian, 0.054%; 1 homozygote.

Submissions (3):

Labcorp Genetics (formerly Invitae), Labcorp
Classification: Likely benign for Ciliary dyskinesia, primary, 37; Spermatogenic failure 18. Last evaluated: 2025-12-30. Review status: criteria provided, single submitter. Criteria: Invitae Variant Classification Sherloc (09022015). Collection method: clinical testing. Allele origin: germline.

Blueprint Genetics
Classification: Likely benign. Last evaluated: 2024-09-12. Review status: criteria provided, single submitter. Criteria: ACMG Guidelines, 2015. Collection method: clinical testing. Allele origin: germline.

PreventionGenetics, part of Exact Sciences
Classification: Likely benign for DNAH1-related condition. Last evaluated: 2019-09-18. Review status: no assertion criteria provided. Collection method: clinical testing. Allele origin: germline. Not counted in ClinVar's aggregate classification.
Comment: This variant is classified as likely benign based on ACMG/AMP sequence variant interpretation guidelines (Richards et al. 2015 PMID: 25741868, with internal and published modifications).

NM_015512.5(DNAH1):c.1034-10C>T

Gene: DNAH1 (dynein axonemal heavy chain 1; plus strand). Cytogenetic location: 3p21.1.
Variant type: single nucleotide variant.
Coding change: c.1034-10C>T on transcript NM_015512.5 (MANE Select); 10 bases into the intron before coding-DNA position 1034, C replaced by T.
Molecular consequence: intron variant.
Genome position (GRCh38, 1-based): chr3:52,332,132, C>T. VCF-style: chr3-52332132-C-T. GRCh37 (hg19) VCF-style: chr3-52366148-C-T.
Other names: c.1034-10C>T (NM_015512.4).
Identifiers: ClinVar variation 1084766 (VCV001084766.10), dbSNP rs374296388, ClinGen allele CA2432859.